The following is an entry in ClinVar:

ClinVar aggregate classification (germline): Uncertain significance. Review status: criteria provided, multiple submitters, no conflicts (2 of 4 stars). 2 submissions from 2 submitters: Uncertain significance (2). Last evaluated 2025-02-25.

Conditions:
Baller-Gerold syndrome (BGS). Also called: CRANIOSYNOSTOSIS WITH RADIAL DEFECTS. Identifiers: Orphanet 1225, MedGen C0265308, MONDO:0009039, OMIM 218600.

gnomAD v4.1: 1 of 1,612,534 alleles (0.000062%); highest among the groups gnomAD compares: Non-Finnish European, 0.000085%; no homozygotes.

Submissions (2):

Dasa
Classification: Uncertain significance. Last evaluated: 2025-02-25. Review status: criteria provided, single submitter. Criteria: DASA Assertion Criteria. Collection method: clinical testing. Allele origin: germline.
Comment: NM_004260.4(RECQL4):c.2871G>C (p.Gln957His) is a missense variant that results in the substitution of glutamine with histidine. This variant is rare in population databases. The currently available literature and clinical evidence are not sufficient to establish a definitive association between this variant and the reported condition. Therefore, this variant is classified as a variant of uncertain significance.

Labcorp Genetics (formerly Invitae), Labcorp
Classification: Uncertain significance for Baller-Gerold syndrome. Last evaluated: 2023-02-21. Review status: criteria provided, single submitter. Criteria: Invitae Variant Classification Sherloc (09022015). Collection method: clinical testing. Allele origin: germline.
Comment: This sequence change replaces glutamine, which is neutral and polar, with histidine, which is basic and polar, at codon 957 of the RECQL4 protein (p.Gln957His). This variant is not present in population databases (gnomAD no frequency). This variant has not been reported in the literature in individuals affected with RECQL4-related conditions. ClinVar contains an entry for this variant (Variation ID: 1523871). Advanced modeling of protein sequence and biophysical properties (such as structural, functional, and spatial information, amino acid conservation, physicochemical variation, residue mobility, and thermodynamic stability) performed at Invitae indicates that this missense variant is not expected to disrupt RECQL4 protein function. In summary, the available evidence is currently insufficient to determine the role of this variant in disease. Therefore, it has been classified as a Variant of Uncertain Significance.

NM_004260.4(RECQL4):c.2871G>C (p.Gln957His)

Gene: RECQL4 (RecQ like helicase 4; minus strand). Cytogenetic location: 8q24.3.
Variant type: single nucleotide variant.
Coding change: c.2871G>C on transcript NM_004260.4 (MANE Select); coding-DNA position 2871, G replaced by C.
Protein change: p.Gln957His; replaces glutamine 957 with histidine.
Molecular consequence: missense variant.
Genome position (GRCh38, 1-based): chr8:144,512,656, C>G on the plus strand (G>C on the coding strand, the complement: RECQL4 is on the minus strand). VCF-style: chr8-144512656-C-G. GRCh37 (hg19) VCF-style: chr8-145738039-C-G.
Other names: short protein forms Q957H.
Identifiers: ClinVar variation 1523871 (VCV001523871.6), dbSNP rs548485975, ClinGen allele CA372673881.